The following is an entry in ClinVar:

NM_000218.3(KCNQ1):c.1514+33248TG[12]

Genes: KCNQ1 (potassium voltage-gated channel subfamily Q member 1; plus strand), KCNQ1OT1 (KCNQ1 opposite strand/antisense transcript 1; minus strand). Cytogenetic location: 11p15.5.
Variant type: Microsatellite.
Coding change: c.1514+33248TG[12] on transcript NM_000218.3 (MANE Select); 12 copies in a row of the 2-base unit TG starting at c.1514+33248; the reference has eight copies in a row; four copies, 8 bases duplicated.
Molecular consequence: intron variant. On other transcripts: non-coding transcript variant (1).
Genome position (GRCh38, 1-based): chr11:2,695,337-2,695,344, TGTGTGTG duplicated; duplicating any 8 consecutive bases within chr11:2,695,329-2,695,344 gives the same sequence; the position shown is the placement nearest the transcript's 3' end. VCF-style (leftmost placement, unchanged base first): chr11-2695328-T-TTGTGTGTG. GRCh37 (hg19) VCF-style: chr11-2716558-T-TTGTGTGTG.
Other names: c.1244+33248TG[12] (NM_001406837.1); c.1418+33248TG[12] (NM_001406836.1); c.974+33248TG[12] (NM_001406838.1); c.1133+33248TG[12] (NM_181798.2).
Identifiers: ClinVar variation 2641494 (VCV002641494.24), dbSNP rs61588088, ClinGen allele CA597442989.

ClinVar aggregate classification (germline): Benign (1 of 4 stars; one submission).

Submission:

CeGaT Center for Human Genetics Tuebingen
Classification: Benign. Last evaluated: 2023-09-01. Review status: criteria provided, single submitter. Criteria: CeGaT Center For Human Genetics Tuebingen Variant Classification Criteria Version 2. Collection method: clinical testing. Allele origin: germline. Affected: yes. Observed: 1 variant allele.
Comment: KCNQ1OT1: BS1, BS2